The following is an entry in ClinVar:

ClinVar aggregate classification (germline): Uncertain significance (1 of 4 stars; one submission).

Conditions:
Cataract 1 multiple types. Also called: CATARACT, DUFFY-LINKED; CATARACT 1, POSTERIOR SUBCAPSULAR, WITH MICROCORNEA; CATARACT 1, STELLATE NUCLEAR, WITH MICROCORNEA; CATARACT 1, MULTIPLE TYPES, WITH OR WITHOUT MICROCORNEA; CATARACT 1, NUCLEAR PROGRESSIVE; CATARACT 1 WITH MICROCORNEA. Identifiers: Orphanet 1377, MedGen C1861828, MONDO:0007285, OMIM 116200.

Submission:

Dept. Genetics and Cancer, Menzies Institute for Medical Research, University of Tasmania
Classification: Uncertain significance for Cataract 1 multiple types. Last evaluated: 2023-01-21. Review status: criteria provided, single submitter. Criteria: ACMG Guidelines, 2015. Collection method: curation. Allele origin: germline. Affected: yes.
Comment: Variant identified and curated during a GJA8 specific review of the literature in relation to pediatric or congenital cataract. ACMG-AMP criteria applied: PS4(Supporting), PM1(Supporting), PM2(Supporting), PP3. Original variant report: PMID:30076350;31842807. The cataract phenotype reported for this variant is: Nuclear. Gene review and curation guidelines are outlined in: DOI 10.1080/17469899.2023.2160320

Literature cited by the submitters: PubMed 30076350; PubMed 31842807.

NM_005267.5(GJA8):c.154T>C (p.Phe52Leu)

Gene: GJA8 (gap junction protein alpha 8; plus strand). Cytogenetic location: 1q21.2.
Variant type: single nucleotide variant.
Coding change: c.154T>C on transcript NM_005267.5 (MANE Select); coding-DNA position 154, T replaced by C.
Protein change: p.Phe52Leu; replaces phenylalanine 52 with leucine.
Molecular consequence: missense variant.
Genome position (GRCh38, 1-based): chr1:147,908,109, T>C. VCF-style: chr1-147908109-T-C. GRCh37 (hg19) VCF-style: chr1-147380236-T-C.
Other names: short protein forms F52L.
Identifiers: ClinVar variation 3253715 (VCV003253715.1), dbSNP rs2524889220.